The following is an entry in ClinVar:

NM_007294.4(BRCA1):c.4938C>A (p.Val1646=)

Gene: BRCA1 (BRCA1 DNA repair associated; minus strand). Cytogenetic location: 17q21.31.
Variant type: single nucleotide variant.
Coding change: c.4938C>A on transcript NM_007294.4 (MANE Select); coding-DNA position 4938, C replaced by A.
Protein change: p.Val1646=; no amino-acid change (valine 1646 retained).
Molecular consequence: synonymous variant. On other transcripts: intron variant (1).
Genome position (GRCh38, 1-based): chr17:43,070,976, G>T on the plus strand (C>A on the coding strand, the complement: BRCA1 is on the minus strand). VCF-style: chr17-43070976-G-T. GRCh37 (hg19) VCF-style: chr17-41222993-G-T.
Other names: c.1488C>A, p.Val496= (NM_001408453.1, NM_001408454.1, NM_001408455.1 and 3 more transcripts); c.1485C>A, p.Val495= (NM_001408458.1, NM_001408459.1, NM_001408460.1 and 7 more transcripts); c.1482C>A, p.Val494= (NM_001408468.1, NM_001408469.1, NM_001408470.1); c.1626C>A, p.Val542= (NM_001408472.1, NM_007298.4, NM_007299.4 and 13 more transcripts); c.1623C>A, p.Val541= (NM_001408473.1, NM_001408392.1, NM_001408396.1 and 8 more transcripts); c.1428C>A, p.Val476= (NM_001408474.1); c.1425C>A, p.Val475= (NM_001408475.1, NM_001408476.1); c.1419C>A, p.Val473= (NM_001408478.1, NM_001408479.1, NM_001408480.1); and 71 more.
Identifiers: ClinVar variation 865435 (VCV000865435.7), dbSNP rs2052371169, ClinGen allele CA500231619.

ClinVar aggregate classification (germline): Uncertain significance. Review status: criteria provided, multiple submitters, no conflicts (2 of 4 stars). 2 submissions from 2 submitters: Uncertain significance (2). Last evaluated 2024-06-24.

Conditions:
Hereditary breast ovarian cancer syndrome. Also called: Hereditary breast and/or ovarian cancer syndrome; BRCA1- and BRCA2-Associated Hereditary Breast and Ovarian Cancer; Hereditary breast and ovarian cancer syndrome; Hereditary breast and ovarian cancer; Hereditary breast and ovarian cancer syndrome (HBOC); Breast and ovarian cancer. Identifiers: Orphanet 145, MedGen C0677776, MeSH D061325, MONDO:0003582. Disease mechanism: loss of function.
Breast-ovarian cancer, familial, susceptibility to, 1 (BROVCA1). Also called: BRCA1 Hereditary Breast and Ovarian Cancer; OVARIAN CANCER, SUSCEPTIBILITY TO. Identifiers: Orphanet 145, MedGen C2676676, MONDO:0011450, OMIM 604370. Disease mechanism: loss of function.

Submissions (3):

Myriad Genetics, Inc.
Classification: Uncertain significance for Breast-ovarian cancer, familial, susceptibility to, 1. Last evaluated: 2024-06-24. Review status: criteria provided, single submitter. Criteria: Myriad Autosomal Dominant, Autosomal Recessive and X-Linked Classification Criteria (2023). Collection method: clinical testing. Allele origin: unknown.
Comment: This variant is classified as a variant of uncertain significance as there is insufficient evidence to determine its impact on protein function and/or cancer risk.

Labcorp Genetics (formerly Invitae), Labcorp
Classification: Uncertain significance for Hereditary breast ovarian cancer syndrome. Last evaluated: 2022-12-01. Review status: criteria provided, single submitter. Criteria: Invitae Variant Classification Sherloc (09022015). Collection method: clinical testing. Allele origin: germline.
Comment: ClinVar contains an entry for this variant (Variation ID: 865435). In summary, the available evidence is currently insufficient to determine the role of this variant in disease. Therefore, it has been classified as a Variant of Uncertain Significance. Algorithms developed to predict the effect of sequence changes on RNA splicing suggest that this variant may create or strengthen a splice site. Experimental studies have shown that this variant affects BRCA1 function (PMID: 30209399). Algorithms developed to predict the effect of variants on protein structure and function are not available or were not evaluated for this variant. This variant has not been reported in the literature in individuals affected with BRCA1-related conditions. This variant is not present in population databases (gnomAD no frequency). This sequence change affects codon 1646 of the BRCA1 mRNA. It is a 'silent' change, meaning that it does not change the encoded amino acid sequence of the BRCA1 protein.

Brotman Baty Institute, University of Washington
No classification provided (evidence only). Condition: Breast-ovarian cancer, familial 1. Review status: no classification provided. Collection method: in vitro. Allele origin: not applicable. Functional consequence: functionally_abnormal. Not counted in ClinVar's aggregate classification.
ClinVar note: "not provided" was previously submitted as the classification for the variant. However, the classification appeared to be based only on an observation of functional data so it was converted to no classification on 2025-07-30.

Literature cited by the submitters: PubMed 30209399 (cited by Labcorp Genetics (formerly Invitae), Labcorp).